The following is an entry in ClinVar:

NM_000136.3(FANCC):c.319_340dup (p.Ile114delinsThrIleLysThrTer)

Gene: FANCC (FA complementation group C; minus strand). Cytogenetic location: 9q22.32.
Variant type: Duplication.
Coding change: c.319_340dup on transcript NM_000136.3 (MANE Select); coding-DNA positions 319 to 340, 22 bases duplicated (CAATCAAAACTTAACTCCTGGA).
Protein change: p.Ile114delinsThrIleLysThrTer.
Molecular consequence: nonsense.
Genome position (GRCh38, 1-based): chr9:95,240,654-95,240,675, TCCAGGAGTTAAGTTTTGATTG duplicated on the plus strand (CAATCAAAACTTAACTCCTGGA on the coding strand, the reverse complement: FANCC is on the minus strand); duplicating any 22 consecutive bases within chr9:95,240,654-95,240,680 gives the same sequence; the c. name uses the placement nearest the transcript's 3' end. VCF-style (leftmost placement, unchanged base first): chr9-95240653-A-ATCCAGGAGTTAAGTTTTGATTG. GRCh37 (hg19) VCF-style: chr9-98002935-A-ATCCAGGAGTTAAGTTTTGATTG.
Other names: c.319_340dup, p.Ile114delinsThrIleLysThrTer (NM_001243743.2, NM_001243744.2).
Identifiers: ClinVar variation 1075326 (VCV001075326.7), dbSNP rs2136048818, ClinGen allele CA2499220012.
Genomic context (GRCh38, chr9:95,240,653, plus strand): 5'-ACTTTTAAATAATCAATTTAATTCAAAGAAGTGCAGAGCAAGATTTACTCTCTTACCTGT[A>ATCCAGGAGTTAAGTTTTGATTG]TCCAGGAGTTAAGTTTTGATTGTCCAGAATTCTGTGGTTCTTTGTTAATTAGACAACATA-3'

ClinVar aggregate classification (germline): Pathogenic (1 of 4 stars; one submission).

Conditions:
Fanconi anemia (FA). Also called: Fanconi's anemia. Identifiers: Orphanet 84, MedGen C0015625, MeSH D005199, MONDO:0019391.

Submission:

Labcorp Genetics (formerly Invitae), Labcorp
Classification: Pathogenic for Fanconi anemia. Last evaluated: 2020-06-13. Review status: criteria provided, single submitter. Criteria: Invitae Variant Classification Sherloc (09022015). Collection method: clinical testing. Allele origin: germline.
Comment: For these reasons, this variant has been classified as Pathogenic. Loss-of-function variants in FANCC are known to be pathogenic (PMID: 17924555). This variant has not been reported in the literature in individuals with FANCC-related conditions. This variant is not present in population databases (ExAC no frequency). This sequence change creates a premature translational stop signal (p.Ile114Thrfs*5) in the FANCC gene. It is expected to result in an absent or disrupted protein product.

Literature cited by the submitters: PubMed 17924555.